The following is an entry in ClinVar:

NM_020791.4(TAOK1):c.1371C>G (p.Asp457Glu)

Gene: TAOK1 (TAO kinase 1; plus strand). Cytogenetic location: 17q11.2.
Variant type: single nucleotide variant.
Coding change: c.1371C>G on transcript NM_020791.4 (MANE Select); coding-DNA position 1371, C replaced by G.
Protein change: p.Asp457Glu; replaces aspartic acid 457 with glutamic acid.
Molecular consequence: missense variant.
Genome position (GRCh38, 1-based): chr17:29,507,928, C>G. VCF-style: chr17-29507928-C-G. GRCh37 (hg19) VCF-style: chr17-27834946-C-G.
Other names: c.1371C>G, p.Asp457Glu (NM_025142.1); short protein forms D457E.
Identifiers: ClinVar variation 1328889 (VCV001328889.2), dbSNP rs1360526974, ClinGen allele CA399195843.

ClinVar aggregate classification (germline): Uncertain significance (1 of 4 stars; one submission).

Allele frequency attached by ClinVar (database versions not stated): TOPMed below 0.00001.

Submission:

GeneDx
Classification: Uncertain significance. Last evaluated: 2021-06-19. Review status: criteria provided, single submitter. Criteria: GeneDx Variant Classification Process June 2021. Collection method: clinical testing. Allele origin: germline. Affected: yes.
Comment: Not observed at significant frequency in large population cohorts (Lek et al., 2016); In silico analysis supports that this missense variant does not alter protein structure/function; Has not been previously published as pathogenic or benign to our knowledge; This variant is associated with the following publications: (PMID: 27535533)